The following is an entry in ClinVar:

NM_001364905.1(LRBA):c.814G>T (p.Gly272Cys)

Gene: LRBA (LPS responsive beige-like anchor protein; minus strand). Cytogenetic location: 4q31.3.
Variant type: single nucleotide variant.
Coding change: c.814G>T on transcript NM_001364905.1 (MANE Select); coding-DNA position 814, G replaced by T.
Protein change: p.Gly272Cys; replaces glycine 272 with cysteine.
Molecular consequence: missense variant.
Genome position (GRCh38, 1-based): chr4:150,916,481, C>A on the plus strand (G>T on the coding strand, the complement: LRBA is on the minus strand). VCF-style: chr4-150916481-C-A. GRCh37 (hg19) VCF-style: chr4-151837633-C-A.
Other names: c.814G>T, p.Gly272Cys (NM_001199282.3, NM_001367550.1, NM_006726.5); short protein forms G272C.
Identifiers: ClinVar variation 1002397 (VCV001002397.8), dbSNP rs1364049271, ClinGen allele CA358436280.

ClinVar aggregate classification (germline): Uncertain significance (1 of 4 stars; one submission).

Conditions:
Combined immunodeficiency due to LRBA deficiency. Also called: Common variable immunodeficiency 8, with autoimmunity. Identifiers: Orphanet 445018, MedGen C3553512, MONDO:0013863, OMIM 614700.

gnomAD v4.1: 1 of 1,613,790 alleles (0.000062%); highest among the groups gnomAD compares: Non-Finnish European, 0.000085%; no homozygotes.

Submission:

Labcorp Genetics (formerly Invitae), Labcorp
Classification: Uncertain significance for Combined immunodeficiency due to LRBA deficiency. Last evaluated: 2020-10-26. Review status: criteria provided, single submitter. Criteria: Invitae Variant Classification Sherloc (09022015). Collection method: clinical testing. Allele origin: germline.
Comment: In summary, the available evidence is currently insufficient to determine the role of this variant in disease. Therefore, it has been classified as a Variant of Uncertain Significance. Algorithms developed to predict the effect of missense changes on protein structure and function are either unavailable or do not agree on the potential impact of this missense change (SIFT: "Deleterious"; PolyPhen-2: "Probably Damaging"; Align-GVGD: "Class C0"). This variant has not been reported in the literature in individuals with LRBA-related conditions. This variant is not present in population databases (ExAC no frequency). This sequence change replaces glycine with cysteine at codon 272 of the LRBA protein (p.Gly272Cys). The glycine residue is weakly conserved and there is a large physicochemical difference between glycine and cysteine.